The following is an entry in ClinVar:

ClinVar aggregate classification (germline): Likely pathogenic (1 of 4 stars; one submission).

Conditions:
Propionic acidemia (PROP). Also called: GLYCINEMIA, KETOTIC; HYPERGLYCINEMIA WITH KETOACIDOSIS AND LEUKOPENIA; KETOTIC HYPERGLYCINEMIA. Identifiers: Orphanet 35, MedGen C0268579, MONDO:0011628, OMIM 606054, HP:0003571.

Submission:

Labcorp Genetics (formerly Invitae), Labcorp
Classification: Likely pathogenic for Propionic acidemia. Last evaluated: 2021-09-08. Review status: criteria provided, single submitter. Criteria: Invitae Variant Classification Sherloc (09022015). Collection method: clinical testing. Allele origin: germline.
Comment: In summary, the currently available evidence indicates that the variant is pathogenic, but additional data are needed to prove that conclusively. Therefore, this variant has been classified as Likely Pathogenic. This sequence change replaces arginine with glycine at codon 165 of the PCCB protein (p.Arg165Gly). The arginine residue is highly conserved and there is a moderate physicochemical difference between arginine and glycine. This variant is not present in population databases (ExAC no frequency). This variant has not been reported in the literature in individuals affected with PCCB-related conditions. Advanced modeling of protein sequence and biophysical properties (such as structural, functional, and spatial information, amino acid conservation, physicochemical variation, residue mobility, and thermodynamic stability) performed at Invitae indicates that this missense variant is expected to disrupt PCCB protein function. This variant disrupts the p.Arg165 amino acid residue in PCCB. Other variant(s) that disrupt this residue have been determined to be pathogenic (PMID: 8295402, 9683601, 11749052, 12757933, 15059621, 15949719, 27227689). This suggests that this residue is clinically significant, and that variants that disrupt this residue are likely to be disease-causing.

Literature cited by the submitters: PubMed 8295402; PubMed 9683601; PubMed 11749052; PubMed 12757933; PubMed 15059621; PubMed 15949719; PubMed 27227689.

NM_000532.5(PCCB):c.493C>G (p.Arg165Gly)

Gene: PCCB (propionyl-CoA carboxylase subunit beta; plus strand). Cytogenetic location: 3q22.3.
Variant type: single nucleotide variant.
Coding change: c.493C>G on transcript NM_000532.5 (MANE Select); coding-DNA position 493, C replaced by G.
Protein change: p.Arg165Gly; replaces arginine 165 with glycine.
Molecular consequence: missense variant.
Genome position (GRCh38, 1-based): chr3:136,262,015, C>G. VCF-style: chr3-136262015-C-G. GRCh37 (hg19) VCF-style: chr3-135980857-C-G.
Other names: c.553C>G, p.Arg185Gly (NM_001178014.2); short protein forms R165G, R185G.
Identifiers: ClinVar variation 1480685 (VCV001480685.6), dbSNP rs879253815, ClinGen allele CA354739682.